The following is an entry in ClinVar:

NM_024876.4(COQ8B):c.1274T>A (p.Phe425Tyr)

Gene: COQ8B (coenzyme Q8B; minus strand). Cytogenetic location: 19q13.2.
Variant type: single nucleotide variant.
Coding change: c.1274T>A on transcript NM_024876.4 (MANE Select); coding-DNA position 1274, T replaced by A.
Protein change: p.Phe425Tyr; replaces phenylalanine 425 with tyrosine.
Molecular consequence: missense variant.
Genome position (GRCh38, 1-based): chr19:40,692,973, A>T on the plus strand (T>A on the coding strand, the complement: COQ8B is on the minus strand). VCF-style: chr19-40692973-A-T. GRCh37 (hg19) VCF-style: chr19-41198878-A-T.
Other names: c.1151T>A, p.Phe384Tyr (NM_001142555.3); short protein forms F425Y, F384Y.
Identifiers: ClinVar variation 2115764 (VCV002115764.4), dbSNP rs769747498, ClinGen allele CA405958343.

ClinVar aggregate classification (germline): Uncertain significance (1 of 4 stars; one submission).

Submission:

Labcorp Genetics (formerly Invitae), Labcorp
Classification: Uncertain significance. Last evaluated: 2024-12-16. Review status: criteria provided, single submitter. Criteria: Invitae Variant Classification Sherloc (09022015). Collection method: clinical testing. Allele origin: germline.
Comment: This sequence change replaces phenylalanine, which is neutral and non-polar, with tyrosine, which is neutral and polar, at codon 425 of the COQ8B protein (p.Phe425Tyr). This variant is not present in population databases (gnomAD no frequency). This variant has not been reported in the literature in individuals affected with COQ8B-related conditions. ClinVar contains an entry for this variant (Variation ID: 2115764). Invitae Evidence Modeling of protein sequence and biophysical properties (such as structural, functional, and spatial information, amino acid conservation, physicochemical variation, residue mobility, and thermodynamic stability) indicates that this missense variant is not expected to disrupt COQ8B protein function with a negative predictive value of 80%. In summary, the available evidence is currently insufficient to determine the role of this variant in disease. Therefore, it has been classified as a Variant of Uncertain Significance.